The following is an entry in ClinVar:

NM_005612.5(REST):c.1637A>G (p.Lys546Arg)

Gene: REST (RE1 silencing transcription factor; plus strand). Cytogenetic location: 4q12.
Variant type: single nucleotide variant.
Coding change: c.1637A>G on transcript NM_005612.5 (MANE Select); coding-DNA position 1637, A replaced by G.
Protein change: p.Lys546Arg; replaces lysine 546 with arginine.
Molecular consequence: missense variant.
Genome position (GRCh38, 1-based): chr4:56,930,495, A>G. VCF-style: chr4-56930495-A-G. GRCh37 (hg19) VCF-style: chr4-57796661-A-G.
Other names: c.1637A>G, p.Lys546Arg (NM_001193508.2, NM_001363453.3); short protein forms K546R.
Identifiers: ClinVar variation 862700 (VCV000862700.12), dbSNP rs562997282, ClinGen allele CA2932292.

ClinVar aggregate classification (germline): Uncertain significance. Review status: criteria provided, multiple submitters, no conflicts (2 of 4 stars). 2 submissions from 2 submitters: Uncertain significance (2). Last evaluated 2025-10-18.

Conditions:
Inborn genetic diseases. Identifiers: MedGen C0950123, MeSH D030342.

Allele frequency attached by ClinVar (database versions not stated): ExAC 0.00009; 1000 Genomes Project 0.00020; 1000 Genomes Project 30x 0.00031.
gnomAD v4.1: 42 of 1,612,082 alleles (0.0026%); highest among the groups gnomAD compares: South Asian, 0.038%; 1 homozygote.

Submissions (2):

Ambry Genetics
Classification: Uncertain significance for Inborn genetic diseases. Last evaluated: 2025-10-18. Review status: criteria provided, single submitter. Criteria: Ambry Variant Classification Scheme 2023. Collection method: clinical testing. Allele origin: germline.

Labcorp Genetics (formerly Invitae), Labcorp
Classification: Uncertain significance. Last evaluated: 2019-11-25. Review status: criteria provided, single submitter. Criteria: Invitae Variant Classification Sherloc (09022015). Collection method: clinical testing. Allele origin: germline.
Comment: In summary, the available evidence is currently insufficient to determine the role of this variant in disease. Therefore, it has been classified as a Variant of Uncertain Significance. Algorithms developed to predict the effect of missense changes on protein structure and function are either unavailable or do not agree on the potential impact of this missense change (SIFT: "Tolerated"; PolyPhen-2: "Probably Damaging"; Align-GVGD: "Class C0"). This variant has not been reported in the literature in individuals with REST-related conditions. This variant is present in population databases (rs562997282, ExAC 0.06%), and has an allele count higher than expected for a pathogenic variant (PMID: 28166811). This sequence change replaces lysine with arginine at codon 546 of the REST protein (p.Lys546Arg). The lysine residue is highly conserved and there is a small physicochemical difference between lysine and arginine.

Literature cited by the submitters: PubMed 28166811 (cited by Labcorp Genetics (formerly Invitae), Labcorp).